The following is an entry in ClinVar:

NM_001943.5(DSG2):c.1570C>A (p.Pro524Thr)

Gene: DSG2 (desmoglein 2; plus strand). Cytogenetic location: 18q12.1.
Variant type: single nucleotide variant.
Coding change: c.1570C>A on transcript NM_001943.5 (MANE Select); coding-DNA position 1570, C replaced by A.
Protein change: p.Pro524Thr; replaces proline 524 with threonine.
Molecular consequence: missense variant.
Genome position (GRCh38, 1-based): chr18:31,536,348, C>A. VCF-style: chr18-31536348-C-A. GRCh37 (hg19) VCF-style: chr18-29116311-C-A.
Other names: short protein forms P524T.
Identifiers: ClinVar variation 3894461 (VCV003894461.1).
Genomic context (GRCh38, chr18:31,536,348, plus strand): 5'-CAGACAATCTGTCACGATGCAGAGTATGTGAATGTTACTGCAGAGGACCTGGATGGACAC[C>A]CAAACAGTGGCCCTTTCAGTTTCTCCGTCATTGACAAACCACCTGGCATGGCAGAAAAAT-3'
Protein context (NP_001934.2, residues 514-534): NVTAEDLDGH[Pro524Thr]NSGPFSFSVI

ClinVar aggregate classification (germline): Uncertain significance (1 of 4 stars; one submission).

Conditions:
Cardiomyopathy (CMYO). Also called: Cardiomyopathies. Identifiers: Orphanet 167848, MedGen C0878544, MONDO:0004994, HP:0001638. Inheritance: Various modes of inheritance.

Submission:

Color Diagnostics, LLC DBA Color Health
Classification: Uncertain significance for Cardiomyopathy. Last evaluated: 2024-01-28. Review status: criteria provided, single submitter. Criteria: ACMG Guidelines, 2015. Collection method: clinical testing. Allele origin: germline.
Comment: This missense variant replaces proline with threonine at codon 524 of the DSG2 protein. Computational prediction suggests that this variant may not impact protein structure and function (internally defined REVEL score threshold <= 0.5, PMID: 27666373). To our knowledge, functional studies have not been reported for this variant. This variant has not been reported in individuals affected with DSG2-related disorders in the literature. This variant has not been identified in the general population by the Genome Aggregation Database (gnomAD). The available evidence is insufficient to determine the role of this variant in disease conclusively. Therefore, this variant is classified as a Variant of Uncertain Significance.